The following is an entry in ClinVar:

ClinVar aggregate classification (germline): Uncertain significance (0 of 4 stars; one submission).

Conditions:
CIC-related disorder. Also called: CIC-related condition.

Submission:

PreventionGenetics, part of Exact Sciences
Classification: Uncertain significance for CIC-related condition. Last evaluated: 2024-04-04. Review status: no assertion criteria provided. Collection method: clinical testing. Allele origin: germline.
Comment: The CIC c.250G>A variant is predicted to result in the amino acid substitution p.Asp84Asn. To our knowledge, this variant has not been reported in the literature or in a large population database, indicating this variant is rare. This variant is pre-coding in the canonical transcript NM_015125:c.-12672G>A. At this time, the clinical significance of this variant is uncertain due to the absence of conclusive functional and genetic evidence.

NM_001386298.1(CIC):c.250G>A (p.Asp84Asn)

Gene: CIC (capicua transcriptional repressor; plus strand). Cytogenetic location: 19q13.2.
Variant type: single nucleotide variant.
Coding change: c.250G>A on transcript NM_001386298.1 (MANE Select); coding-DNA position 250, G replaced by A.
Protein change: p.Asp84Asn; replaces aspartic acid 84 with asparagine.
Molecular consequence: missense variant.
Genome position (GRCh38, 1-based): chr19:42,272,033, G>A. VCF-style: chr19-42272033-G-A. GRCh37 (hg19) VCF-style: chr19-42776185-G-A.
Other names: c.250G>A, p.Asp84Asn (NM_001304815.2, NM_001379480.1, NM_001379482.1); short protein forms D84N.
Identifiers: ClinVar variation 3348772 (VCV003348772.1).